The following is an entry in ClinVar:

NM_001137550.2(LRRFIP1):c.1023C>T (p.Tyr341=)

Gene: LRRFIP1 (LRR binding FLII interacting protein 1; plus strand). Cytogenetic location: 2q37.3.
Variant type: single nucleotide variant.
Coding change: c.1023C>T on transcript NM_001137550.2 (MANE Select); coding-DNA position 1023, C replaced by T.
Protein change: p.Tyr341=; no amino-acid change (tyrosine 341 retained).
Molecular consequence: synonymous variant.
Genome position (GRCh38, 1-based): chr2:237,753,464, C>T. VCF-style: chr2-237753464-C-T. GRCh37 (hg19) VCF-style: chr2-238662107-C-T.
Other names: c.471C>T, p.Tyr157= (NM_001137551.2, NM_001137553.2); c.639C>T, p.Tyr213= (NM_001137552.2); c.567C>T, p.Tyr189= (NM_004735.4).
Identifiers: ClinVar variation 2652055 (VCV002652055.24), dbSNP rs201084665, ClinGen allele CA2191854.

ClinVar aggregate classification (germline): Likely benign (1 of 4 stars; one submission).

Allele frequency attached by ClinVar (database versions not stated): ExAC 0.00007; ESP Exome Variant Server 0.00008; gnomAD 0.00011; gnomAD exomes 0.00011; TOPMed 0.00017.
gnomAD v4.1: 174 of 1,586,668 alleles (0.011%); highest among the groups gnomAD compares: Middle Eastern, 0.05%; 2 homozygotes.

Submission:

CeGaT Center for Human Genetics Tuebingen
Classification: Likely benign. Last evaluated: 2023-03-01. Review status: criteria provided, single submitter. Criteria: CeGaT Center For Human Genetics Tuebingen Variant Classification Criteria Version 2. Collection method: clinical testing. Allele origin: germline. Affected: yes. Observed: 2 variant alleles.
Comment: LRRFIP1: BP4, BP7